The following is an entry in ClinVar:

NM_007194.4(CHEK2):c.892del (p.Tyr298fs)

Gene: CHEK2 (checkpoint kinase 2; minus strand). Cytogenetic location: 22q12.1.
Variant type: Deletion.
Coding change: c.892del on transcript NM_007194.4 (MANE Select); coding-DNA position 892, one base deleted (T; older notation c.892delT).
Protein change: p.Tyr298fs; shifts the reading frame from tyrosine 298.
Molecular consequence: frameshift variant.
Genome position (GRCh38, 1-based): chr22:28,703,521, A deleted on the plus strand (T on the coding strand, the reverse complement: CHEK2 is on the minus strand); the first of 2 consecutive A bases (chr22:28,703,521-28,703,522); deleting either gives the same sequence. VCF-style (leftmost placement, unchanged base first): chr22-28703520-TA-T. GRCh37 (hg19) VCF-style: chr22-29099508-TA-T.
Other names: c.1020delT, p.Tyr341Ilefs (NM_001005735.3); c.228delT, p.Tyr77Ilefs (NM_001257387.3); c.690delT, p.Tyr231Ilefs (NM_001349956.3); c.891delT, p.Tyr298Ilefs (NM_145862.3); short protein forms Y231fs, Y298fs, Y77fs, Y341fs.
Identifiers: ClinVar variation 1451142 (VCV001451142.8), dbSNP rs2145877300, ClinGen allele CA2573158047.

ClinVar aggregate classification (germline): Pathogenic. Review status: criteria provided, multiple submitters, no conflicts (2 of 4 stars). 2 submissions from 2 submitters: Pathogenic (2). Last evaluated 2024-04-15.

Conditions:
Familial cancer of breast. Also called: BREAST CANCER, FAMILIAL; Hereditary breast cancer; hereditary breast carcinoma. Identifiers: Orphanet 227535, MedGen C0346153, MONDO:0016419, OMIM 114480. Disease mechanism: loss of function.
Hereditary cancer-predisposing syndrome. Also called: Hereditary Cancer Syndrome; Hereditary neoplastic syndrome; Neoplastic Syndromes, Hereditary; Tumor predisposition. Identifiers: Orphanet 140162, MedGen C0027672, MeSH D009386, MONDO:0015356.

Submissions (2):

Labcorp Genetics (formerly Invitae), Labcorp
Classification: Pathogenic for Familial cancer of breast. Last evaluated: 2024-04-15. Review status: criteria provided, single submitter. Criteria: Invitae Variant Classification Sherloc (09022015). Collection method: clinical testing. Allele origin: germline.
Comment: This sequence change creates a premature translational stop signal (p.Tyr298Ilefs*6) in the CHEK2 gene. It is expected to result in an absent or disrupted protein product. Loss-of-function variants in CHEK2 are known to be pathogenic (PMID: 21876083, 24713400). This variant is not present in population databases (gnomAD no frequency). This variant has not been reported in the literature in individuals affected with CHEK2-related conditions. ClinVar contains an entry for this variant (Variation ID: 1451142). For these reasons, this variant has been classified as Pathogenic.

Ambry Genetics
Classification: Pathogenic for Hereditary cancer-predisposing syndrome. Last evaluated: 2023-03-30. Review status: criteria provided, single submitter. Criteria: Ambry Variant Classification Scheme 2023. Collection method: clinical testing. Allele origin: germline.
Comment: The c.892delT pathogenic mutation, located in coding exon 7 of the CHEK2 gene, results from a deletion of one nucleotide at nucleotide position 892, causing a translational frameshift with a predicted alternate stop codon (p.Y298Ifs*6). This alteration is expected to result in loss of function by premature protein truncation or nonsense-mediated mRNA decay. This variant is considered to be rare based on population cohorts in the Genome Aggregation Database (gnomAD). As such, this alteration is interpreted as a disease-causing mutation.

Literature cited by the submitters: PubMed 21876083 (cited by Labcorp Genetics (formerly Invitae), Labcorp); PubMed 24713400 (cited by Labcorp Genetics (formerly Invitae), Labcorp).